The following is an entry in ClinVar:

ClinVar aggregate classification (germline): Uncertain significance. Review status: criteria provided, multiple submitters, no conflicts (2 of 4 stars). 4 submissions from 4 submitters: Uncertain significance (4). Last evaluated 2025-07-24.

Conditions:
Familial thoracic aortic aneurysm and aortic dissection (TAAD). Also called: Thoracic aortic aneurysms and dissections. Identifiers: Orphanet 91387, MedGen C4707243, MONDO:0019625.
Aortic aneurysm, familial thoracic 4 (AAT4). Also called: AORTIC ANEURYSM/AORTIC DISSECTION AND PATENT DUCTUS ARTERIOSUS. Identifiers: MedGen C1851504, MONDO:0007568, OMIM 132900.

Allele frequency attached by ClinVar (database versions not stated): gnomAD exomes below 0.00001; TOPMed below 0.00001.
gnomAD v4.1: 6 of 1,614,040 alleles (0.00037%); highest among the groups gnomAD compares: African/African-American, 0.0013%; no homozygotes.

Submissions (4):

GeneDx
Classification: Uncertain significance. Last evaluated: 2025-07-24. Review status: criteria provided, single submitter. Criteria: GeneDx Variant Classification Process June 2021. Collection method: clinical testing. Allele origin: germline. Affected: yes.
Comment: Not observed at significant frequency in large population cohorts (gnomAD); In silico analysis supports that this missense variant has a deleterious effect on protein structure/function; Has not been previously published as pathogenic or benign to our knowledge

Labcorp Genetics (formerly Invitae), Labcorp
Classification: Uncertain significance for Aortic aneurysm, familial thoracic 4. Last evaluated: 2024-08-10. Review status: criteria provided, single submitter. Criteria: Invitae Variant Classification Sherloc (09022015). Collection method: clinical testing. Allele origin: germline.
Comment: This sequence change replaces asparagine, which is neutral and polar, with serine, which is neutral and polar, at codon 256 of the MYH11 protein (p.Asn256Ser). This variant is not present in population databases (gnomAD no frequency). This missense change has been observed in individual(s) with thoracic aortic aneurysm and dissection (internal data). Advanced modeling of protein sequence and biophysical properties (such as structural, functional, and spatial information, amino acid conservation, physicochemical variation, residue mobility, and thermodynamic stability) performed at Invitae indicates that this missense variant is not expected to disrupt MYH11 protein function with a negative predictive value of 95%. In summary, the available evidence is currently insufficient to determine the role of this variant in disease. Therefore, it has been classified as a Variant of Uncertain Significance.

All of Us Research Program, National Institutes of Health
Classification: Uncertain significance for Familial thoracic aortic aneurysm and aortic dissection. Last evaluated: 2023-11-30. Review status: criteria provided, single submitter. Criteria: ACMG Guidelines, 2015. Collection method: clinical testing. Allele origin: germline. Inheritance: Autosomal dominant inheritance. Observed: 1 variant allele, 1 heterozygote.
Comment: This study involves interpretation of variants in research participants for the purpose of population health screening. Participant phenotype was not available at the time of variant classification. Additional details can be found in publication PMID: 35346344, PMCID: PMC8962531

CHEO Genetics Diagnostic Laboratory, Children's Hospital of Eastern Ontario
Classification: Uncertain significance for Familial thoracic aortic aneurysm and aortic dissection. Last evaluated: 2023-02-15. Review status: criteria provided, single submitter. Criteria: ACMG Guidelines, 2015. Collection method: clinical testing. Allele origin: germline.

NM_002474.3(MYH11):c.746A>G (p.Asn249Ser)

Gene: MYH11 (myosin heavy chain 11; minus strand). Cytogenetic location: 16p13.11.
Variant type: single nucleotide variant.
Coding change: c.746A>G on transcript NM_002474.3 (MANE Select); coding-DNA position 746, A replaced by G.
Protein change: p.Asn249Ser; replaces asparagine 249 with serine.
Molecular consequence: missense variant.
Genome position (GRCh38, 1-based): chr16:15,778,824, T>C on the plus strand (A>G on the coding strand, the complement: MYH11 is on the minus strand). VCF-style: chr16-15778824-T-C. GRCh37 (hg19) VCF-style: chr16-15872681-T-C.
Other names: c.767A>G, p.Asn256Ser (NM_001040113.2, NM_001040114.2); c.746A>G, p.Asn249Ser (NM_022844.3); c.746A>G (NM_002474.2); short protein forms N249S, N256S.
Identifiers: ClinVar variation 2691213 (VCV002691213.5), dbSNP rs2042283026, ClinGen allele CA394870145.